The following is an entry in ClinVar:

ClinVar aggregate classification (germline): Pathogenic (1 of 4 stars; one submission).

Conditions:
Hereditary diffuse gastric adenocarcinoma (HDGC). Also called: DIFFUSE GASTRIC AND LOBULAR BREAST CANCER SYNDROME. Identifiers: Orphanet 26106, MedGen C1708349, MONDO:0007648, OMIM 137215.

Submission:

Myriad Genetics, Inc.
Classification: Pathogenic for Hereditary diffuse gastric adenocarcinoma. Last evaluated: 2023-06-15. Review status: criteria provided, single submitter. Criteria: Myriad Autosomal Dominant, Autosomal Recessive and X-Linked Classification Criteria (2023). Collection method: clinical testing. Allele origin: unknown.
Comment: This variant is considered pathogenic. This variant creates a frameshift predicted to result in premature protein truncation.

NM_004360.5(CDH1):c.2301del (p.Phe767fs)

Gene: CDH1 (cadherin 1; plus strand). Cytogenetic location: 16q22.1.
Variant type: Deletion.
Coding change: c.2301del on transcript NM_004360.5 (MANE Select); coding-DNA position 2301, one base deleted (T; older notation c.2301delT).
Protein change: p.Phe767fs; shifts the reading frame from phenylalanine 767.
Molecular consequence: frameshift variant.
Genome position (GRCh38, 1-based): chr16:68,829,659, T deleted; the last of 3 consecutive T bases (chr16:68,829,657-68,829,659); deleting any one gives the same sequence. VCF-style (leftmost placement, unchanged base first): chr16-68829656-CT-C. GRCh37 (hg19) VCF-style: chr16-68863559-CT-C.
Other names: c.2118del, p.Phe706fs (NM_001317184.2); c.753del, p.Phe251fs (NM_001317185.2); c.336del, p.Phe112fs (NM_001317186.2); short protein forms F112fs, F251fs, F706fs, F767fs.
Identifiers: ClinVar variation 2583224 (VCV002583224.2), dbSNP rs2543956704, ClinGen allele CA2582342528.